The following is an entry in ClinVar:

NM_001374736.1(DST):c.17176G>A (p.Glu5726Lys)

Gene: DST (dystonin; minus strand). Cytogenetic location: 6p12.1.
Variant type: single nucleotide variant.
Coding change: c.17176G>A on transcript NM_001374736.1 (MANE Select); coding-DNA position 17176, G replaced by A.
Protein change: p.Glu5726Lys; replaces glutamic acid 5726 with lysine.
Molecular consequence: missense variant.
Genome position (GRCh38, 1-based): chr6:56,530,066, C>T on the plus strand (G>A on the coding strand, the complement: DST is on the minus strand). VCF-style: chr6-56530066-C-T. GRCh37 (hg19) VCF-style: chr6-56394864-C-T.
Other names: c.10819G>A, p.Glu3607Lys (NM_001144769.5); c.10405G>A, p.Glu3469Lys (NM_001144770.2); c.17176G>A, p.Glu5726Lys (NM_001374722.1); c.16543G>A, p.Glu5515Lys (NM_001374729.1); c.10285G>A, p.Glu3429Lys (NM_001374730.1, NM_183380.4); c.17203G>A, p.Glu5735Lys (NM_001374734.1); c.9307G>A, p.Glu3103Lys (NM_015548.5); short protein forms E3103K, E3429K, E3607K, E5515K, E3469K, E5726K, E5735K.
Identifiers: ClinVar variation 968706 (VCV000968706.8), dbSNP rs774345974, ClinGen allele CA3867496.

ClinVar aggregate classification (germline): Uncertain significance (1 of 4 stars; one submission).

Conditions:
Epidermolysis bullosa simplex 3, localized or generalized intermediate, with BP230 deficiency (EBS3). Also called: Epidermolysis bullosa simplex, autosomal recessive 2; Epidermolysis bullosa simplex due to BP230 deficiency. Identifiers: Orphanet 412181, MedGen C3809470, MONDO:0014180, OMIM 615425.
Hereditary sensory and autonomic neuropathy type 6. Also called: Neuropathy, hereditary sensory and autonomic, type VI; HSAN VI. Identifiers: Orphanet 314381, MedGen C3539003, MONDO:0013839, OMIM 614653.

Allele frequency attached by ClinVar (database versions not stated): gnomAD exomes below 0.00001 and 0.00001; ExAC 0.00001.
gnomAD v4.1: 3 of 1,613,018 alleles (0.00019%); highest among the groups gnomAD compares: South Asian, 0.0011%; no homozygotes.

Submission:

Labcorp Genetics (formerly Invitae), Labcorp
Classification: Uncertain significance for Epidermolysis bullosa simplex 3, localized or generalized intermediate, with BP230 deficiency; Hereditary sensory and autonomic neuropathy type 6. Last evaluated: 2019-11-06. Review status: criteria provided, single submitter. Criteria: Invitae Variant Classification Sherloc (09022015). Collection method: clinical testing. Allele origin: germline.
Comment: In summary, the available evidence is currently insufficient to determine the role of this variant in disease. Therefore, it has been classified as a Variant of Uncertain Significance. Algorithms developed to predict the effect of missense changes on protein structure and function are either unavailable or do not agree on the potential impact of this missense change (SIFT: "Tolerated"; PolyPhen-2: "Not Available"; Align-GVGD: "Class C0"). This variant has not been reported in the literature in individuals with DST-related conditions. This variant is present in population databases (rs774345974, ExAC 0.002%). This sequence change replaces glutamine with lysine at codon 3103 of the DST protein (p.Glu3103Lys). The glutamine residue is highly conserved and there is a small physicochemical difference between the two amino acids. The DST gene has multiple clinically relevant transcripts. This variant occurs in alternate transcript NM_015548.4, and corresponds to NM_001723.5:c.*85451G>A in the primary transcript.